The following is an entry in ClinVar:

ClinVar aggregate classification (germline): Benign/Likely benign. Review status: criteria provided, multiple submitters, no conflicts (2 of 4 stars). 3 submissions from 3 submitters: Benign (1); Likely benign (1). 1 of the submissions does not count toward it. Last evaluated 2024-02-23.

Conditions:
ENPP1-related disorder. Also called: ENPP1-related condition; ENPP1-related disorders.
Obesity. Also called: Obesity disorder. Identifiers: Orphanet 71529, MedGen C0028754, MeSH D009765, MONDO:0011122, HP:0001513.
Hypophosphatemic rickets, autosomal recessive, 2 (ARHR2). Identifiers: Orphanet 289176, MedGen C2750078, MONDO:0013219, OMIM 613312.
Hypopigmentation-punctate palmoplantar keratoderma syndrome. Also called: GUTTATE HYPOPIGMENTATION AND PUNCTATE PALMOPLANTAR KERATODERMA WITH OR WITHOUT ECTOPIC CALCIFICATION; Cole disease. Identifiers: Orphanet 324561, MedGen C3809781, MONDO:0014227, OMIM 615522.
Arterial calcification, generalized, of infancy, 1 (GACI1). Also called: Idiopathic Infantile Arterial Calcification. Identifiers: Orphanet 51608, MedGen C4551985, MONDO:0008817, OMIM 208000.
Type 2 diabetes mellitus. Also called: Type II diabetes mellitus. Identifiers: MedGen C0011860, MeSH D003924, MONDO:0005148, OMIM 125853, HP:0005978.

Submissions (3):

Labcorp Genetics (formerly Invitae), Labcorp
Classification: Benign. Last evaluated: 2024-02-23. Review status: criteria provided, single submitter. Criteria: Invitae Variant Classification Sherloc (09022015). Collection method: clinical testing. Allele origin: germline.

Fulgent Genetics
Classification: Likely benign for Type 2 diabetes mellitus; Arterial calcification, generalized, of infancy, 1; Inherited obesity; Hypophosphatemic rickets, autosomal recessive, 2; Hypopigmentation-punctate palmoplantar keratoderma syndrome. Last evaluated: 2021-07-26. Review status: criteria provided, single submitter. Criteria: ACMG Guidelines, 2015. Collection method: clinical testing. Allele origin: unknown.

PreventionGenetics, part of Exact Sciences
Classification: Likely benign for ENPP1-related condition. Last evaluated: 2019-08-05. Review status: no assertion criteria provided. Collection method: clinical testing. Allele origin: germline. Not counted in ClinVar's aggregate classification.
Comment: This variant is classified as likely benign based on ACMG/AMP sequence variant interpretation guidelines (Richards et al. 2015 PMID: 25741868, with internal and published modifications).

NM_006208.3(ENPP1):c.313+8_313+9dup

Gene: ENPP1 (ectonucleotide pyrophosphatase/phosphodiesterase 1; plus strand). Cytogenetic location: 6q23.2.
Variant type: Duplication.
Coding change: c.313+8_313+9dup on transcript NM_006208.3 (MANE Select); bases 8 to 9 of the intron after coding-DNA position 313, 2 bases duplicated (GG; older notation c.313+8_313+9dupGG).
Molecular consequence: intron variant.
Genome position (GRCh38, 1-based): chr6:131,847,856-131,847,857, GG duplicated. VCF-style (leftmost placement, unchanged base first): chr6-131847855-A-AGG. GRCh37 (hg19) VCF-style: chr6-132168995-A-AGG.
Other names: c.313+8_313+9dupGG (NM_006208.2).
Identifiers: ClinVar variation 1169635 (VCV001169635.12), dbSNP rs377330284, ClinGen allele CA4001829.
Genomic context (GRCh38, chr6:131,847,855, plus strand): 5'-TAACAACAATACTTGGTTGTATATTTGGGTTGAAACCAAGCTGTGCCAAAGAAGGTAATT[A>AGG]GGTGTGTGTGTGTGTGTGTGTGTGTGTGTGTGTGTGTGTATGTGTGTGCACAGCCTTATT-3'